The following is an entry in ClinVar:

NM_002894.3(RBBP8):c.689A>C (p.Gln230Pro)

Gene: RBBP8 (RB binding protein 8, endonuclease; plus strand). Cytogenetic location: 18q11.2.
Variant type: single nucleotide variant.
Coding change: c.689A>C on transcript NM_002894.3 (MANE Select); coding-DNA position 689, A replaced by C.
Protein change: p.Gln230Pro; replaces glutamine 230 with proline.
Molecular consequence: missense variant.
Genome position (GRCh38, 1-based): chr18:22,984,970, A>C. VCF-style: chr18-22984970-A-C. GRCh37 (hg19) VCF-style: chr18-20564933-A-C.
Other names: c.689A>C, p.Gln230Pro (NM_203291.2, NM_203292.2); short protein forms Q230P.
Identifiers: ClinVar variation 1525038 (VCV001525038.6), dbSNP rs984471348, ClinGen allele CA297039562.

ClinVar aggregate classification (germline): Uncertain significance (1 of 4 stars; one submission).

Allele frequency attached by ClinVar (database versions not stated): gnomAD exomes below 0.00001; gnomAD 0.00002; TOPMed 0.00002.
gnomAD v4.1: 4 of 1,611,644 alleles (0.00025%); highest among the groups gnomAD compares: African/African-American, 0.0053%; no homozygotes.

Submission:

Labcorp Genetics (formerly Invitae), Labcorp
Classification: Uncertain significance. Last evaluated: 2022-06-27. Review status: criteria provided, single submitter. Criteria: Invitae Variant Classification Sherloc (09022015). Collection method: clinical testing. Allele origin: germline.
Comment: In summary, the available evidence is currently insufficient to determine the role of this variant in disease. Therefore, it has been classified as a Variant of Uncertain Significance. Algorithms developed to predict the effect of missense changes on protein structure and function are either unavailable or do not agree on the potential impact of this missense change (SIFT: "Tolerated"; PolyPhen-2: "Probably Damaging"; Align-GVGD: "Class C0"). This variant has not been reported in the literature in individuals affected with RBBP8-related conditions. This variant is present in population databases (no rsID available, gnomAD 0.01%). This sequence change replaces glutamine, which is neutral and polar, with proline, which is neutral and non-polar, at codon 230 of the RBBP8 protein (p.Gln230Pro).